The following is an entry in ClinVar:

ClinVar aggregate classification (germline): Uncertain significance (1 of 4 stars; one submission).

gnomAD v4.1: 3 of 1,613,834 alleles (0.00019%); highest among the groups gnomAD compares: East Asian, 0.0067%; no homozygotes.

Submission:

Labcorp Genetics (formerly Invitae), Labcorp
Classification: Uncertain significance. Last evaluated: 2025-10-14. Review status: criteria provided, single submitter. Criteria: Invitae Variant Classification Sherloc (09022015). Collection method: clinical testing. Allele origin: germline.
Comment: This sequence change replaces serine, which is neutral and polar, with threonine, which is neutral and polar, at codon 1255 of the SLIT2 protein (p.Ser1255Thr). This variant is present in population databases (rs201064954, gnomAD 0.006%). This variant has not been reported in the literature in individuals affected with SLIT2-related conditions. An algorithm developed to predict the effect of missense changes on protein structure and function (PolyPhen-2) suggests that this variant is likely to be tolerated. In summary, the available evidence is currently insufficient to determine the role of this variant in disease. Therefore, it has been classified as a Variant of Uncertain Significance.

NM_004787.4(SLIT2):c.3763T>A (p.Ser1255Thr)

Gene: SLIT2 (slit guidance ligand 2; plus strand). Cytogenetic location: 4p15.31.
Variant type: single nucleotide variant.
Coding change: c.3763T>A on transcript NM_004787.4 (MANE Select); coding-DNA position 3763, T replaced by A.
Protein change: p.Ser1255Thr; replaces serine 1255 with threonine.
Molecular consequence: missense variant.
Genome position (GRCh38, 1-based): chr4:20,610,083, T>A. VCF-style: chr4-20610083-T-A. GRCh37 (hg19) VCF-style: chr4-20611706-T-A.
Other names: c.3751T>A, p.Ser1251Thr (NM_001289135.3); c.3739T>A, p.Ser1247Thr (NM_001289136.3); short protein forms S1251T, S1255T, S1247T.
Identifiers: ClinVar variation 4719377 (VCV004719377.1).
Genomic context (GRCh38, chr4:20,610,083, plus strand): 5'-ATCAATGATGGAAACTTCCACATTGTGGAACTACTTGCCTTGGATCAGAGTCTCTCTTTG[T>A]CCGTGGATGGTGGGAACCCCAAAATCATCACTAACTTGTCAAAGCAGTCCACTCTGAATT-3'
Protein context (NP_004778.1, residues 1245-1265): LLALDQSLSL[Ser1255Thr]VDGGNPKIIT